The following is an entry in ClinVar:

NM_001127222.2(CACNA1A):c.6107A>T (p.Gln2036Leu)

Gene: CACNA1A (calcium voltage-gated channel subunit alpha1 A; minus strand). Cytogenetic location: 19p13.13.
Variant type: single nucleotide variant.
Coding change: c.6107A>T on transcript NM_001127222.2 (MANE Select); coding-DNA position 6107, A replaced by T.
Protein change: p.Gln2036Leu; replaces glutamine 2036 with leucine.
Molecular consequence: missense variant.
Genome position (GRCh38, 1-based): chr19:13,212,466, T>A on the plus strand (A>T on the coding strand, the complement: CACNA1A is on the minus strand). VCF-style: chr19-13212466-T-A. GRCh37 (hg19) VCF-style: chr19-13323280-T-A.
Other names: c.6125A>T, p.Gln2042Leu (NM_000068.4, NM_023035.3); c.6110A>T, p.Gln2037Leu (NM_001127221.2); c.6116A>T, p.Gln2039Leu (NM_001174080.2); short protein forms Q2036L, Q2037L, Q2039L, Q2042L.
Identifiers: ClinVar variation 3371616 (VCV003371616.1).

ClinVar aggregate classification (germline): Uncertain significance (1 of 4 stars; one submission).

Submission:

GeneDx
Classification: Uncertain significance. Last evaluated: 2024-04-30. Review status: criteria provided, single submitter. Criteria: GeneDx Variant Classification Process June 2021. Collection method: clinical testing. Allele origin: germline. Affected: yes.
Comment: Not observed at significant frequency in large population cohorts (gnomAD); In silico analysis supports that this missense variant has a deleterious effect on protein structure/function; Has not been previously published as pathogenic or benign to our knowledge